The following is an entry in ClinVar:

ClinVar aggregate classification (germline): Uncertain significance (1 of 4 stars; one submission).

Conditions:
Early Myoclonic Encephalopathy. Identifiers: MedGen C0270855.

Submission:

Labcorp Genetics (formerly Invitae), Labcorp
Classification: Uncertain significance for Early Myoclonic Encephalopathy. Last evaluated: 2025-06-29. Review status: criteria provided, single submitter. Criteria: Invitae Variant Classification Sherloc (09022015). Collection method: clinical testing. Allele origin: germline.
Comment: This variant, c.1522_1523insAAA, results in the insertion of 1 amino acid(s) of the KCND2 protein (p.Ala507_Thr508insLys), but otherwise preserves the integrity of the reading frame. This variant is present in population databases (rs774240428, gnomAD 0.03%). This variant has not been reported in the literature in individuals affected with KCND2-related conditions. ClinVar contains an entry for this variant (Variation ID: 1034838). Experimental studies and prediction algorithms are not available or were not evaluated, and the functional significance of this variant is currently unknown. In summary, the available evidence is currently insufficient to determine the role of this variant in disease. Therefore, it has been classified as a Variant of Uncertain Significance.

NM_012281.3(KCND2):c.1522_1523insAAA (p.Ala507_Thr508insLys)

Gene: KCND2 (potassium voltage-gated channel subfamily D member 2; plus strand). Cytogenetic location: 7q31.31.
Variant type: Insertion.
Coding change: c.1522_1523insAAA on transcript NM_012281.3 (MANE Select); coding-DNA positions 1522 to 1523, AAA inserted.
Protein change: p.Ala507_Thr508insLys.
Molecular consequence: inframe insertion.
Genome position: GRCh38 VCF-style: chr7-120745832-C-CAAA. GRCh37 (hg19) VCF-style: chr7-120385886-C-CAAA.
Identifiers: ClinVar variation 1034838 (VCV001034838.8), dbSNP rs774240428, ClinGen allele CA4453706.